The following is an entry in ClinVar:

NM_018076.5(ODAD2):c.1868C>T (p.Thr623Met)

Gene: ODAD2 (outer dynein arm docking complex subunit 2; minus strand). Cytogenetic location: 10p12.1.
Variant type: single nucleotide variant.
Coding change: c.1868C>T on transcript NM_018076.5 (MANE Select); coding-DNA position 1868, C replaced by T.
Protein change: p.Thr623Met; replaces threonine 623 with methionine.
Molecular consequence: missense variant.
Genome position (GRCh38, 1-based): chr10:27,940,681, G>A on the plus strand (C>T on the coding strand, the complement: ODAD2 is on the minus strand). VCF-style: chr10-27940681-G-A. GRCh37 (hg19) VCF-style: chr10-28229610-G-A.
Other names: c.1868C>T, p.Thr623Met (NM_001290020.2); c.443C>T, p.Thr148Met (NM_001290021.2); c.944C>T, p.Thr315Met (NM_001312689.2); short protein forms T315M, T623M, T148M.
Identifiers: ClinVar variation 961347 (VCV000961347.8), dbSNP rs375702916, ClinGen allele CA5453377.
Genomic context (GRCh38, chr10:27,940,681, plus strand): 5'-GTCTTCAGCAGCCGAGCCAACAGAGGAATGCCCCCAGCTTTGCGGATGGCTTCTTTATTC[G>A]TATGACTCTTACTGCAGCTCCACAGGGCCAGTGCCCCACAGCGAGCCACTTCCACGTCTC-3'
Protein context (NP_060546.2, residues 613-633): LALWSCSKSH[Thr623Met]NKEAIRKAGG

ClinVar aggregate classification (germline): Uncertain significance. Review status: criteria provided, multiple submitters, no conflicts (2 of 4 stars). 2 submissions from 2 submitters: Uncertain significance (2). Last evaluated 2024-02-04.

Conditions:
Primary ciliary dyskinesia 23 (CILD23). Also called: CILIARY DYSKINESIA, PRIMARY, 23, WITH OR WITHOUT SITUS INVERSUS. Identifiers: Orphanet 244, MedGen C3809548, MONDO:0014193, OMIM 615451.
Primary ciliary dyskinesia. Also called: Ciliary dyskinesia. Identifiers: Orphanet 244, MedGen C0008780, MONDO:0016575, HP:0012265.

Allele frequency attached by ClinVar (database versions not stated): gnomAD 0.00002; TOPMed 0.00003; gnomAD exomes 0.00005; ExAC 0.00007; ESP Exome Variant Server 0.00008.
gnomAD v4.1: 75 of 1,613,902 alleles (0.0046%); highest among the groups gnomAD compares: South Asian, 0.021%; no homozygotes.

Submissions (2):

Ambry Genetics
Classification: Uncertain significance for Primary ciliary dyskinesia. Last evaluated: 2024-02-04. Review status: criteria provided, single submitter. Criteria: Ambry Variant Classification Scheme 2023. Collection method: clinical testing. Allele origin: germline.
Comment: The p.T623M variant (also known as c.1868C>T), located in coding exon 12 of the ARMC4 gene, results from a C to T substitution at nucleotide position 1868. The threonine at codon 623 is replaced by methionine, an amino acid with similar properties. This amino acid position is conserved. In addition, this alteration is predicted to be tolerated by in silico analysis. Based on the available evidence, the clinical significance of this alteration remains unclear.

Labcorp Genetics (formerly Invitae), Labcorp
Classification: Uncertain significance for Primary ciliary dyskinesia 23. Last evaluated: 2023-12-21. Review status: criteria provided, single submitter. Criteria: Invitae Variant Classification Sherloc (09022015). Collection method: clinical testing. Allele origin: germline.
Comment: This sequence change replaces threonine, which is neutral and polar, with methionine, which is neutral and non-polar, at codon 623 of the ARMC4 protein (p.Thr623Met). This variant is present in population databases (rs375702916, gnomAD 0.03%). This variant has not been reported in the literature in individuals affected with ARMC4-related conditions. ClinVar contains an entry for this variant (Variation ID: 961347). Algorithms developed to predict the effect of missense changes on protein structure and function output the following: SIFT: "Not Available"; PolyPhen-2: "Benign"; Align-GVGD: "Not Available". The methionine amino acid residue is found in multiple mammalian species, which suggests that this missense change does not adversely affect protein function. In summary, the available evidence is currently insufficient to determine the role of this variant in disease. Therefore, it has been classified as a Variant of Uncertain Significance.